The following is an entry in ClinVar:

ClinVar aggregate classification (germline): Uncertain significance (1 of 4 stars; one submission).

Allele frequency attached by ClinVar (database versions not stated): gnomAD exomes below 0.00001; ExAC 0.00001.
gnomAD v4.1: 2 of 1,614,064 alleles (0.00012%); highest among the groups gnomAD compares: South Asian, 0.0011%; no homozygotes.

Submission:

Labcorp Genetics (formerly Invitae), Labcorp
Classification: Uncertain significance. Last evaluated: 2022-08-03. Review status: criteria provided, single submitter. Criteria: Invitae Variant Classification Sherloc (09022015). Collection method: clinical testing. Allele origin: germline.
Comment: This sequence change replaces glutamine, which is neutral and polar, with arginine, which is basic and polar, at codon 47 of the FAT4 protein (p.Gln47Arg). In summary, the available evidence is currently insufficient to determine the role of this variant in disease. Therefore, it has been classified as a Variant of Uncertain Significance. Advanced modeling of protein sequence and biophysical properties (such as structural, functional, and spatial information, amino acid conservation, physicochemical variation, residue mobility, and thermodynamic stability) performed at Invitae indicates that this missense variant is not expected to disrupt FAT4 protein function. This variant has not been reported in the literature in individuals affected with FAT4-related conditions. This variant is present in population databases (rs763847574, gnomAD 0.003%).

NM_001291303.3(FAT4):c.140A>G (p.Gln47Arg)

Gene: FAT4 (FAT atypical cadherin 4; plus strand). Cytogenetic location: 4q28.1.
Variant type: single nucleotide variant.
Coding change: c.140A>G on transcript NM_001291303.3 (MANE Select); coding-DNA position 140, A replaced by G.
Protein change: p.Gln47Arg; replaces glutamine 47 with arginine.
Molecular consequence: missense variant.
Genome position (GRCh38, 1-based): chr4:125,316,551, A>G. VCF-style: chr4-125316551-A-G. GRCh37 (hg19) VCF-style: chr4-126237706-A-G.
Other names: c.140A>G, p.Gln47Arg (NM_001291285.3, NM_024582.6); short protein forms Q47R.
Identifiers: ClinVar variation 2000651 (VCV002000651.4), dbSNP rs763847574, ClinGen allele CA3071753.